The following is an entry in ClinVar:

ClinVar aggregate classification (germline): Pathogenic/Likely pathogenic. Review status: criteria provided, multiple submitters, no conflicts (2 of 4 stars). 4 submissions from 4 submitters: Pathogenic (1); Likely pathogenic (3). Last evaluated 2023-05-19.

Conditions:
Myopathy, proximal, and ophthalmoplegia (CMYO6). Also called: MYOPATHY WITH CONGENITAL JOINT CONTRACTURES, OPHTHALMOPLEGIA, AND RIMMED VACUOLES; INCLUSION BODY MYOPATHY 3, AUTOSOMAL DOMINANT; CONGENITAL MYOPATHY 6 WITH OPHTHALMOPLEGIA. Identifiers: Orphanet 363677, Orphanet 79091, MedGen C1854106, MONDO:0011577, OMIM 605637.

Allele frequency attached by ClinVar (database versions not stated): gnomAD 0.00001; TOPMed 0.00003.
gnomAD v4.1: 9 of 1,613,558 alleles (0.00056%); highest among the groups gnomAD compares: Admixed American, 0.0017%; no homozygotes.

Submissions (4):

Labcorp Genetics (formerly Invitae), Labcorp
Classification: Likely pathogenic for Myopathy, proximal, and ophthalmoplegia. Last evaluated: 2023-05-19. Review status: criteria provided, single submitter. Criteria: Invitae Variant Classification Sherloc (09022015). Collection method: clinical testing. Allele origin: germline.
Comment: This sequence change affects an acceptor splice site in intron 17 of the MYH2 gene. It is expected to disrupt RNA splicing. Variants that disrupt the donor or acceptor splice site typically lead to a loss of protein function (PMID: 16199547), and loss-of-function variants in MYH2 are known to be pathogenic (PMID: 20418530, 23388406, 24193343). This variant is present in population databases (rs201082272, gnomAD 0.005%). This variant has not been reported in the literature in individuals affected with MYH2-related conditions. ClinVar contains an entry for this variant (Variation ID: 372425). Algorithms developed to predict the effect of sequence changes on RNA splicing suggest that this variant may disrupt the consensus splice site. In summary, the currently available evidence indicates that the variant is pathogenic, but additional data are needed to prove that conclusively. Therefore, this variant has been classified as Likely Pathogenic.

Revvity Omics, Revvity
Classification: Likely pathogenic for Myopathy, proximal, and ophthalmoplegia. Last evaluated: 2019-07-29. Review status: criteria provided, single submitter. Criteria: ACMG Guidelines, 2015. Collection method: clinical testing. Allele origin: germline.

GeneDx
Classification: Likely pathogenic. Last evaluated: 2016-03-11. Review status: criteria provided, single submitter. Criteria: GeneDx Variant Classification (06012015). Collection method: clinical testing. Allele origin: germline. Affected: yes.
Comment: The c.1975-1G>C variant in the MYH2 gene has not been reported previously as a pathogenic variant nor as a benign variant, to our knowledge. This splice site variant destroys the canonical splice acceptor site in intron 17. It is predicted to cause abnormal gene splicing, either leading to an abnormal message that is subject to nonsense-mediated mRNA decay, or to an abnormal protein product if the message is used for protein translation. The c.1975-1G>C variant was not observed in approximately 6500 individuals of European and African American ancestry in the NHLBI Exome Sequencing Project, indicating it is not a common benign variant in these populations. We interpret c.1975-1G>C as a likely pathogenic variant.

Clinical Genetics Service, Universitary Hospital 12 de Octubre
Classification: Pathogenic for Myopathy, proximal, and ophthalmoplegia. Review status: criteria provided, single submitter. Criteria: ACMG Guidelines, 2015. Collection method: clinical testing. Allele origin: germline. Affected: yes.

Literature cited by the submitters: PubMed 16199547 (cited by Labcorp Genetics (formerly Invitae), Labcorp); PubMed 20418530 (cited by Labcorp Genetics (formerly Invitae), Labcorp); PubMed 23388406 (cited by Labcorp Genetics (formerly Invitae), Labcorp); PubMed 24193343 (cited by Labcorp Genetics (formerly Invitae), Labcorp).

NM_017534.6(MYH2):c.1975-1G>C

Genes: MYH2 (myosin heavy chain 2; minus strand), MYHAS (myosin heavy chain gene cluster antisense RNA; plus strand). Cytogenetic location: 17p13.1.
Variant type: single nucleotide variant.
Coding change: c.1975-1G>C on transcript NM_017534.6 (MANE Select); the canonical splice acceptor site of the intron before coding-DNA position 1975, G replaced by C.
Molecular consequence: splice acceptor variant.
Genome position (GRCh38, 1-based): chr17:10,535,366, C>G on the plus strand (G>C on the coding strand, the complement: MYH2 is on the minus strand). VCF-style: chr17-10535366-C-G. GRCh37 (hg19) VCF-style: chr17-10438683-C-G.
Other names: c.1975-1G>C (NM_001100112.2).
Identifiers: ClinVar variation 372425 (VCV000372425.11), dbSNP rs201082272, ClinGen allele CA8391239.
Genomic context (GRCh38, chr17:10,535,366, plus strand): 5'-ACACCTCACAAAGTGAGGATGGGTACTCCTGAGGTTGGTCATCAGCTTGTTCAAATTCTC[C>G]TGTAAAACCAGGAAAAATCCTGTCATTTTAGGCTCTAGACATGGATATGAGCAGTCATTG-3'